The following is an entry in ClinVar:

NM_001916.5(CYC1):c.582C>G (p.Pro194=)

Gene: CYC1 (cytochrome c1; plus strand). Cytogenetic location: 8q24.3.
Variant type: single nucleotide variant.
Coding change: c.582C>G on transcript NM_001916.5 (MANE Select); coding-DNA position 582, C replaced by G.
Protein change: p.Pro194=; no amino-acid change (proline 194 retained).
Molecular consequence: synonymous variant.
Genome position (GRCh38, 1-based): chr8:144,096,465, C>G. VCF-style: chr8-144096465-C-G. GRCh37 (hg19) VCF-style: chr8-145151368-C-G.
Identifiers: ClinVar variation 681465 (VCV000681465.1), dbSNP rs28398315, ClinGen allele CA187616330.

ClinVar aggregate classification (germline): Likely benign (1 of 4 stars; one submission).

Submission:

GeneDx
Classification: Likely benign. Last evaluated: 2018-04-17. Review status: criteria provided, single submitter. Criteria: GeneDx Variant Classification (06012015). Collection method: clinical testing. Allele origin: germline. Affected: yes.
Comment: This variant is considered likely benign or benign based on one or more of the following criteria: it is a conservative change, it occurs at a poorly conserved position in the protein, it is predicted to be benign by multiple in silico algorithms, and/or has population frequency not consistent with disease.